The following is an entry in ClinVar:

ClinVar aggregate classification (germline): Uncertain significance. Review status: criteria provided, multiple submitters, no conflicts (2 of 4 stars). 4 submissions from 4 submitters: Uncertain significance (4). Last evaluated 2022-07-12.

Conditions:
Donnai-Barrow syndrome. Also called: FACIOOCULOACOUSTICORENAL SYNDROME; DBS/FOAR SYNDROME. Identifiers: Orphanet 2143, MedGen C1857277, MONDO:0009104, OMIM 222448.

Allele frequency attached by ClinVar (database versions not stated): ExAC 0.00003; gnomAD exomes 0.00003 and 0.00004; TOPMed 0.00003; gnomAD 0.00005.
gnomAD v4.1: 58 of 1,613,970 alleles (0.0036%); highest among the groups gnomAD compares: South Asian, 0.014%; no homozygotes.

Submissions (4):

Blueprint Genetics
Classification: Uncertain significance. Last evaluated: 2022-07-12. Review status: criteria provided, single submitter. Criteria: ACMG Guidelines, 2015. Collection method: clinical testing. Allele origin: germline.

Labcorp Genetics (formerly Invitae), Labcorp
Classification: Uncertain significance. Last evaluated: 2022-07-06. Review status: criteria provided, single submitter. Criteria: Invitae Variant Classification Sherloc (09022015). Collection method: clinical testing. Allele origin: germline.
Comment: This sequence change replaces alanine, which is neutral and non-polar, with threonine, which is neutral and polar, at codon 3821 of the LRP2 protein (p.Ala3821Thr). This variant is present in population databases (rs778317120, gnomAD 0.02%). This variant has not been reported in the literature in individuals affected with LRP2-related conditions. ClinVar contains an entry for this variant (Variation ID: 1343593). Advanced modeling of protein sequence and biophysical properties (such as structural, functional, and spatial information, amino acid conservation, physicochemical variation, residue mobility, and thermodynamic stability) performed at Invitae indicates that this missense variant is not expected to disrupt LRP2 protein function. In summary, the available evidence is currently insufficient to determine the role of this variant in disease. Therefore, it has been classified as a Variant of Uncertain Significance.

Fulgent Genetics
Classification: Uncertain significance for Donnai-Barrow syndrome. Last evaluated: 2022-03-06. Review status: criteria provided, single submitter. Criteria: ACMG Guidelines, 2015. Collection method: clinical testing. Allele origin: unknown.

Women's Health and Genetics/Laboratory Corporation of America, LabCorp
Classification: Uncertain significance. Last evaluated: 2022-02-23. Review status: criteria provided, single submitter. Criteria: LabCorp Variant Classification Summary - May 2015. Collection method: clinical testing. Allele origin: germline.
Comment: Variant summary: LRP2 c.11461G>A (p.Ala3821Thr) results in a non-conservative amino acid change in the encoded protein sequence. Four of five in-silico tools predict a damaging effect of the variant on protein function. The variant allele was found at a frequency of 4.4e-05 in 251370 control chromosomes. This frequency is not significantly higher than expected for a pathogenic variant in LRP2 causing Donnai Barrow Syndrome (4.4e-05 vs 0.0011), allowing no conclusion about variant significance. To our knowledge, no occurrence of c.11461G>A in individuals affected with Donnai Barrow Syndrome and no experimental evidence demonstrating its impact on protein function have been reported. No clinical diagnostic laboratories have submitted clinical-significance assessments for this variant to ClinVar after 2014. Based on the evidence outlined above, the variant was classified as uncertain significance.

NM_004525.3(LRP2):c.11461G>A (p.Ala3821Thr)

Gene: LRP2 (LDL receptor related protein 2; minus strand). Cytogenetic location: 2q31.1.
Variant type: single nucleotide variant.
Coding change: c.11461G>A on transcript NM_004525.3 (MANE Select); coding-DNA position 11461, G replaced by A.
Protein change: p.Ala3821Thr; replaces alanine 3821 with threonine.
Molecular consequence: missense variant.
Genome position (GRCh38, 1-based): chr2:169,169,738, C>T on the plus strand (G>A on the coding strand, the complement: LRP2 is on the minus strand). VCF-style: chr2-169169738-C-T. GRCh37 (hg19) VCF-style: chr2-170026248-C-T.
Other names: short protein forms A3821T.
Identifiers: ClinVar variation 1343593 (VCV001343593.8), dbSNP rs778317120, ClinGen allele CA1953069.